The following is an entry in ClinVar:

ClinVar aggregate classification (germline): Conflicting classifications of pathogenicity. Review status: criteria provided, conflicting classifications (1 of 4 stars). 6 submissions from 6 submitters: Uncertain significance (5); Likely benign (1). Last evaluated 2026-06-02.

Conditions:
Hereditary cancer-predisposing syndrome. Also called: Tumor predisposition; Hereditary Cancer Syndrome; Neoplastic Syndromes, Hereditary; Hereditary neoplastic syndrome. Identifiers: Orphanet 140162, MedGen C0027672, MeSH D009386, MONDO:0015356.
Multiple endocrine neoplasia, type 1 (MEN1). Also called: MEA I; MEN I; WERMER SYNDROME; Endocrine adenomatosis multiple; MEN 1. Identifiers: Orphanet 652, MedGen C0025267, MeSH D018761, MONDO:0007540, OMIM 131100.

Allele frequency attached by ClinVar (database versions not stated): gnomAD exomes below 0.00001; TOPMed below 0.00001.
gnomAD v4.1: 2 of 1,613,700 alleles (0.00012%); highest among the groups gnomAD compares: Non-Finnish European, 0.00017%; no homozygotes.

Submissions (6):

Ambry Genetics
Classification: Uncertain significance for Hereditary cancer-predisposing syndrome. Last evaluated: 2026-06-02. Review status: criteria provided, single submitter. Criteria: Ambry Variant Classification Scheme 2023. Collection method: clinical testing. Allele origin: germline.
Comment: The p.T94I variant (also known as c.281C>T), located in coding exon 1 of the MEN1 gene, results from a C to T substitution at nucleotide position 281. The threonine at codon 94 is replaced by isoleucine, an amino acid with similar properties. This amino acid position is highly conserved in available vertebrate species. In addition, this alteration is predicted to be deleterious by in silico analysis. Based on the available evidence, the clinical significance of this variant remains unclear.

Labcorp Genetics (formerly Invitae), Labcorp
Classification: Likely benign for Multiple endocrine neoplasia, type 1. Last evaluated: 2025-11-05. Review status: criteria provided, single submitter. Criteria: Invitae Variant Classification Sherloc (09022015). Collection method: clinical testing. Allele origin: germline.

Fulgent Genetics
Classification: Uncertain significance for Multiple endocrine neoplasia, type 1. Last evaluated: 2024-04-24. Review status: criteria provided, single submitter. Criteria: ACMG Guidelines, 2015. Collection method: clinical testing. Allele origin: germline.

Baylor Genetics
Classification: Uncertain significance for Multiple Endocrine Neoplasia Type 1. Last evaluated: 2024-03-11. Review status: criteria provided, single submitter. Criteria: ACMG Guidelines, 2015. Collection method: clinical testing. Allele origin: unknown.

All of Us Research Program, National Institutes of Health
Classification: Uncertain significance for Multiple endocrine neoplasia, type 1. Last evaluated: 2023-07-19. Review status: criteria provided, single submitter. Criteria: ACMG Guidelines, 2015. Collection method: clinical testing. Allele origin: germline. Inheritance: Autosomal dominant inheritance. Observed: 1 variant allele, 1 heterozygote.
Comment: This missense variant replaces threonine with isoleucine at codon 94 of the MEN1 protein. Computational prediction suggests that this variant may have deleterious impact on protein structure and function (internally defined REVEL score threshold >= 0.7, PMID: 27666373). To our knowledge, functional studies have not been reported for this variant. This variant has not been reported in individuals affected with MEN1-related disorders in the literature. This variant has not been identified in the general population by the Genome Aggregation Database (gnomAD). The available evidence is insufficient to determine the role of this variant in disease conclusively. Therefore, this variant is classified as a Variant of Uncertain Significance.

This study involves interpretation of variants in research participants for the purpose of population health screening. Participant phenotype was not available at the time of variant classification. Additional details can be found in publication PMID: 35346344, PMCID: PMC8962531

GeneDx
Classification: Uncertain significance. Last evaluated: 2022-10-17. Review status: criteria provided, single submitter. Criteria: GeneDx Variant Classification Process June 2021. Collection method: clinical testing. Allele origin: germline. Affected: yes.
Comment: Not observed at significant frequency in large population cohorts (gnomAD); In silico analysis supports that this missense variant does not alter protein structure/function; Has not been previously published as pathogenic or benign to our knowledge

NM_001370259.2(MEN1):c.281C>T (p.Thr94Ile)

Gene: MEN1 (menin 1; minus strand). Cytogenetic location: 11q13.1.
Variant type: single nucleotide variant.
Coding change: c.281C>T on transcript NM_001370259.2 (MANE Select); coding-DNA position 281, C replaced by T.
Protein change: p.Thr94Ile; replaces threonine 94 with isoleucine.
Molecular consequence: missense variant.
Genome position (GRCh38, 1-based): chr11:64,809,829, G>A on the plus strand (C>T on the coding strand, the complement: MEN1 is on the minus strand). VCF-style: chr11-64809829-G-A. GRCh37 (hg19) VCF-style: chr11-64577301-G-A.
Other names: c.281C>T, p.Thr94Ile (NM_000244.4, NM_001370251.2, NM_001370260.2 and 9 more transcripts); short protein forms T94I.
Identifiers: ClinVar variation 578759 (VCV000578759.17), dbSNP rs1565651820, ClinGen allele CA381187490.
Genomic context (GRCh38, chr11:64,809,829, plus strand): 5'-CTGGAGACACCCCCTTCTCGAGGATAGAGGGACAGGTCGACGGCGCCTCGGATCTGGGCG[G>A]TGAAGCGGGCATAGAGGGCGGCGATGATAGACAGGTCGGCCACGGGAAAGTAGGTGAGGC-3'
Protein context (NP_001357188.2, residues 84-104): SIIAALYARF[Thr94Ile]AQIRGAVDLS